The following is an entry in ClinVar:

NM_002878.4(RAD51D):c.867C>T (p.Gly289=)

Genes: RAD51D (RAD51 paralog D; minus strand), RAD51L3-RFFL (RAD51L3-RFFL readthrough; minus strand). Cytogenetic location: 17q12.
Variant type: single nucleotide variant.
Coding change: c.867C>T on transcript NM_002878.4 (MANE Select); coding-DNA position 867, C replaced by T.
Protein change: p.Gly289=; no amino-acid change (glycine 289 retained).
Molecular consequence: synonymous variant. On other transcripts: non-coding transcript variant (3).
Genome position (GRCh38, 1-based): chr17:35,101,237, G>A on the plus strand (C>T on the coding strand, the complement: RAD51D is on the minus strand). VCF-style: chr17-35101237-G-A. GRCh37 (hg19) VCF-style: chr17-33428256-G-A.
Other names: c.927C>T, p.Gly309= (NM_001142571.2); c.531C>T, p.Gly177= (NM_133629.3).
Identifiers: ClinVar variation 861584 (VCV000861584.8), dbSNP rs2091532621, ClinGen allele CA499728732.
Genomic context (GRCh38, chr17:35,101,237, plus strand): 5'-GGCATCTTCCTGGGGCTGGCTCACCTGTCGGGAAGATTTGGCCAGACACGCCATGCGCCG[G>A]CCGCCTGATGCTCCTGCTCCCTCGATGGTGTCCAGGAGAATCCGAGTGCTGGGCACAAAG-3'
Protein context (NP_002869.3, residues 279-299): DTIEGAGASG[Gly289=]RRMACLAKSS

ClinVar aggregate classification (germline): Benign/Likely benign. Review status: criteria provided, multiple submitters, no conflicts (2 of 4 stars). 3 submissions from 3 submitters: Benign (1); Likely benign (2). Last evaluated 2025-02-25.

Conditions:
Hereditary cancer-predisposing syndrome. Also called: Tumor predisposition; Hereditary neoplastic syndrome; Neoplastic Syndromes, Hereditary; Hereditary Cancer Syndrome. Identifiers: Orphanet 140162, MedGen C0027672, MeSH D009386, MONDO:0015356.
Breast-ovarian cancer, familial, susceptibility to, 4. Identifiers: Orphanet 145, MedGen C3280345, MONDO:0013669, OMIM 614291.

gnomAD v4.1: 1 of 1,614,134 alleles (0.000062%); no homozygotes.

Submissions (3):

Myriad Genetics, Inc.
Classification: Benign for Breast-ovarian cancer, familial, susceptibility to, 4. Last evaluated: 2025-02-25. Review status: criteria provided, single submitter. Criteria: Myriad Autosomal Dominant, Autosomal Recessive and X-Linked Classification Criteria (2023). Collection method: clinical testing. Allele origin: unknown.
Comment: This variant is considered benign. This variant is a silent/synonymous amino acid change and it is not expected to impact splicing.

Ambry Genetics
Classification: Likely benign for Hereditary cancer-predisposing syndrome. Last evaluated: 2024-11-15. Review status: criteria provided, single submitter. Criteria: Ambry Variant Classification Scheme 2023. Collection method: clinical testing. Allele origin: germline.

Labcorp Genetics (formerly Invitae), Labcorp
Classification: Likely benign for Breast-ovarian cancer, familial, susceptibility to, 4. Last evaluated: 2024-01-22. Review status: criteria provided, single submitter. Criteria: Invitae Variant Classification Sherloc (09022015). Collection method: clinical testing. Allele origin: germline.